The following is an entry in ClinVar:

NM_001622.4(AHSG):c.39C>G (p.Leu13=)

Gene: AHSG (alpha 2-HS glycoprotein; plus strand). Cytogenetic location: 3q27.3.
Variant type: single nucleotide variant.
Coding change: c.39C>G on transcript NM_001622.4 (MANE Select); coding-DNA position 39, C replaced by G.
Protein change: p.Leu13=; no amino-acid change (leucine 13 retained).
Molecular consequence: synonymous variant.
Genome position (GRCh38, 1-based): chr3:186,613,180, C>G. VCF-style: chr3-186613180-C-G. GRCh37 (hg19) VCF-style: chr3-186330969-C-G.
Other names: c.39C>G, p.Leu13= (NM_001354571.2, NM_001354572.2, NM_001354573.2).
Identifiers: ClinVar variation 3058930 (VCV003058930.2), dbSNP rs4831, ClinGen allele CA2744761.

ClinVar aggregate classification (germline): Benign (0 of 4 stars; one submission).

Conditions:
AHSG-related disorder. Also called: AHSG-related condition.

Allele frequency attached by ClinVar (database versions not stated): gnomAD exomes 0.14862; ExAC 0.16083; gnomAD 0.19496; TOPMed 0.20570; ESP Exome Variant Server 0.20637; 1000 Genomes Project 30x 0.21627; 1000 Genomes Project 0.21745.
gnomAD v4.1: 247,675 of 1,613,722 alleles (15%); highest among the groups gnomAD compares: African/African-American, 33%; 21,309 homozygotes.

Submission:

PreventionGenetics, part of Exact Sciences
Classification: Benign for AHSG-related condition. Last evaluated: 2019-10-29. Review status: no assertion criteria provided. Collection method: clinical testing. Allele origin: germline.
Comment: This variant is classified as benign based on ACMG/AMP sequence variant interpretation guidelines (Richards et al. 2015 PMID: 25741868, with internal and published modifications).